The following is an entry in ClinVar:

ClinVar aggregate classification (germline): Uncertain significance (1 of 4 stars; one submission).

Conditions:
Wilms tumor 1 (WT1). Also called: Wilms tumor, somatic. Identifiers: Orphanet 654, MedGen CN033288, MONDO:0008679, OMIM 194070.

gnomAD v4.1: 1 of 1,199,321 alleles (0.000083%); highest among the groups gnomAD compares: Non-Finnish European, 0.00011%; no homozygotes.

Submission:

Labcorp Genetics (formerly Invitae), Labcorp
Classification: Uncertain significance for Wilms tumor 1. Last evaluated: 2023-04-06. Review status: criteria provided, single submitter. Criteria: Invitae Variant Classification Sherloc (09022015). Collection method: clinical testing. Allele origin: germline.
Comment: This sequence change replaces lysine, which is basic and polar, with glutamine, which is neutral and polar, at codon 371 of the GPC3 protein (p.Lys371Gln). In summary, the available evidence is currently insufficient to determine the role of this variant in disease. Therefore, it has been classified as a Variant of Uncertain Significance. Advanced modeling of protein sequence and biophysical properties (such as structural, functional, and spatial information, amino acid conservation, physicochemical variation, residue mobility, and thermodynamic stability) performed at Invitae indicates that this missense variant is not expected to disrupt GPC3 protein function. ClinVar contains an entry for this variant (Variation ID: 859446). This variant has not been reported in the literature in individuals affected with GPC3-related conditions. This variant is not present in population databases (gnomAD no frequency).

NM_004484.4(GPC3):c.1111A>C (p.Lys371Gln)

Gene: GPC3 (glypican 3; minus strand). Cytogenetic location: Xq26.2.
Variant type: single nucleotide variant.
Coding change: c.1111A>C on transcript NM_004484.4 (MANE Select); coding-DNA position 1111, A replaced by C.
Protein change: p.Lys371Gln; replaces lysine 371 with glutamine.
Molecular consequence: missense variant.
Genome position (GRCh38, 1-based): chrX:133,699,950, T>G on the plus strand (A>C on the coding strand, the complement: GPC3 is on the minus strand). VCF-style: chrX-133699950-T-G. GRCh37 (hg19) VCF-style: chrX-132833978-T-G.
Other names: c.1180A>C, p.Lys394Gln (NM_001164617.2); c.1063A>C, p.Lys355Gln (NM_001164618.2); c.949A>C, p.Lys317Gln (NM_001164619.2); short protein forms K317Q, K355Q, K371Q, K394Q.
Identifiers: ClinVar variation 859446 (VCV000859446.10), dbSNP rs755221081, ClinGen allele CA414699724.
Genomic context (GRCh38, chrX:133,699,950, plus strand): 5'-CTCACCTTCTTCGGCTGGATAAGGTTTCTTCATGTTCTACATGAGCAACTTTTAATACTT[T>G]CTTGTCAATAAAGAGATCTTCAGGATAATAAGCAGATCTATATTGGCGTTGTTGAGAATG-3'
Protein context (NP_004475.1, residues 361-381): YYPEDLFIDK[Lys371Gln]VLKVAHVEHE